The following is an entry in ClinVar:

ClinVar aggregate classification (germline): Pathogenic (1 of 4 stars; one submission).

Conditions:
Hereditary spastic paraplegia 11. Also called: Spastic Paraplegia 11; SPASTIC PARAPLEGIA, AUTOSOMAL RECESSIVE, COMPLICATED, WITH THIN CORPUS CALLOSUM; SPASTIC PARAPLEGIA, AUTOSOMAL RECESSIVE, WITH MENTAL IMPAIRMENT AND THIN CORPUS CALLOSUM; Spastic paraplegia, mental retardation and thin corpus callosum; Nakamura Osame syndrome; Autosomal recessive hereditary spastic paraplegia, mental impairment, and thin corpus callosum. Identifiers: Orphanet 2822, MedGen C1858479, MONDO:0011445, OMIM 604360.

Submission:

Labcorp Genetics (formerly Invitae), Labcorp
Classification: Pathogenic for Hereditary spastic paraplegia 11. Last evaluated: 2018-12-10. Review status: criteria provided, single submitter. Criteria: Invitae Variant Classification Sherloc (09022015). Collection method: clinical testing. Allele origin: germline.
Comment: For these reasons, this variant has been classified as Pathogenic. Loss-of-function variants in SPG11 are known to be pathogenic (PMID: 19105190, 20110243, 22154821, 26556829). This sequence change creates a premature translational stop signal (p.Leu154Glufs*8) in the SPG11 gene. It is expected to result in an absent or disrupted protein product. This variant is not present in population databases (ExAC no frequency). This variant has not been reported in the literature in individuals with SPG11-related conditions.

Literature cited by the submitters: PubMed 19105190; PubMed 20110243; PubMed 22154821; PubMed 26556829.

NM_025137.4(SPG11):c.460_461del (p.Leu154fs)

Gene: SPG11 (SPG11 vesicle trafficking associated, spatacsin; minus strand). Cytogenetic location: 15q21.1.
Variant type: Deletion.
Coding change: c.460_461del on transcript NM_025137.4 (MANE Select); coding-DNA positions 460 to 461, 2 bases deleted (TT; older notation c.460_461delTT).
Protein change: p.Leu154fs; shifts the reading frame from leucine 154.
Molecular consequence: frameshift variant.
Genome position (GRCh38, 1-based): chr15:44,659,285-44,659,286, AA deleted on the plus strand (TT on the coding strand, the reverse complement: SPG11 is on the minus strand); deleting any 2 consecutive bases within chr15:44,659,285-44,659,287 gives the same sequence; the c. name uses the placement nearest the transcript's 3' end. VCF-style (leftmost placement, unchanged base first): chr15-44659284-CAA-C. GRCh37 (hg19) VCF-style: chr15-44951482-CAA-C.
Other names: c.460_461del, p.Leu154fs (NM_001160227.2); short protein forms L154fs.
Identifiers: ClinVar variation 651323 (VCV000651323.6), dbSNP rs1595938132, ClinGen allele CA915946653.